The following is an entry in ClinVar:

NM_001453.3(FOXC1):c.1464GGC[5] (p.Ala495del)

Gene: FOXC1 (forkhead box C1; plus strand). Cytogenetic location: 6p25.3.
Variant type: Microsatellite.
Coding change: c.1464GGC[5] on transcript NM_001453.3 (MANE Select); five copies in a row of the 3-base unit GGC starting at c.1464; the reference has six copies in a row; one copy, 3 bases deleted.
Protein change: p.Ala495del; deletes alanine 495.
Molecular consequence: inframe deletion.
Genome position (GRCh38, 1-based): chr6:1,611,924-1,611,926, GGC deleted; deleting any 3 consecutive bases within chr6:1,611,907-1,611,926 gives the same sequence; the position shown is the placement nearest the transcript's 3' end. VCF-style (leftmost placement, unchanged base first): chr6-1611906-CGCG-C. GRCh37 (hg19) VCF-style: chr6-1612141-CGCG-C.
Other names: short protein forms A495del.
Identifiers: ClinVar variation 1577021 (VCV001577021.33), dbSNP rs747574884, ClinGen allele CA3614898.
Genomic context (GRCh38, chr6:1,611,906, plus strand): 5'-AGGCCGCCTCACCTCGTGGTACCTGAACCAGGCGGGCGGAGACCTGGGCCACTTGGCGAG[CGCG>C]GCGGCGGCGGCGGCGGCCGCAGGCTACCCGGGCCAGCAGCAGAACTTCCACTCGGTGCGG-3'

ClinVar aggregate classification (germline): Likely benign. Review status: criteria provided, multiple submitters, no conflicts (2 of 4 stars). 3 submissions from 3 submitters: Likely benign (3). Last evaluated 2024-11-26.

Conditions:
Axenfeld-Rieger syndrome type 3 (RIEG3). Also called: AXENFELD-RIEGER ANOMALY WITH CARDIAC DEFECTS AND/OR SENSORINEURAL HEARING LOSS. Identifiers: Orphanet 782, MedGen C2678503, MONDO:0011233, OMIM 602482.

Submissions (3):

Blueprint Genetics
Classification: Likely benign. Last evaluated: 2024-11-26. Review status: criteria provided, single submitter. Criteria: ACMG Guidelines, 2015. Collection method: clinical testing. Allele origin: germline.

CeGaT Center for Human Genetics Tuebingen
Classification: Likely benign. Last evaluated: 2023-08-01. Review status: criteria provided, single submitter. Criteria: CeGaT Center For Human Genetics Tuebingen Variant Classification Criteria Version 2. Collection method: clinical testing. Allele origin: germline. Affected: yes. Observed: 1 variant allele.
Comment: FOXC1: BS1

Labcorp Genetics (formerly Invitae), Labcorp
Classification: Likely benign for Axenfeld-Rieger syndrome type 3. Last evaluated: 2023-07-10. Review status: criteria provided, single submitter. Criteria: Invitae Variant Classification Sherloc (09022015). Collection method: clinical testing. Allele origin: germline.